The following is an entry in ClinVar:

NM_000142.5(FGFR3):c.1921G>A (p.Asp641Asn)

Gene: FGFR3 (fibroblast growth factor receptor 3; plus strand). Cytogenetic location: 4p16.3.
Variant type: single nucleotide variant.
Coding change: c.1921G>A on transcript NM_000142.5 (MANE Select); coding-DNA position 1921, G replaced by A.
Protein change: p.Asp641Asn; replaces aspartic acid 641 with asparagine.
Molecular consequence: missense variant. On other transcripts: non-coding transcript variant (1).
Genome position (GRCh38, 1-based): chr4:1,806,135, G>A. VCF-style: chr4-1806135-G-A. GRCh37 (hg19) VCF-style: chr4-1807862-G-A.
Other names: c.1927G>A, p.Asp643Asn (NM_001163213.2); c.1924G>A, p.Asp642Asn (NM_001354809.2, NM_001354810.2); c.1585G>A, p.Asp529Asn (NM_022965.4); short protein forms D529N, D641N, D642N, D643N.
Identifiers: ClinVar variation 1313268 (VCV001313268.3), dbSNP rs2108807251, ClinGen allele CA355982532.

ClinVar aggregate classification (germline): Conflicting classifications of pathogenicity. Review status: criteria provided, conflicting classifications (1 of 4 stars). 2 submissions from 2 submitters: Likely pathogenic (1); Uncertain significance (1). Last evaluated 2026-06-23.

Conditions:
Epidermal nevus. Also called: Nevus, epidermal, somatic; NEVUS, KERATINOCYTIC, NONEPIDERMOLYTIC. Identifiers: Orphanet 79414, MedGen C0334082, MONDO:0008093, OMIM 162900, HP:0010816.

Submissions (2):

Genomenon, Inc
Classification: Likely pathogenic for Epidermal nevus. Last evaluated: 2026-06-23. Review status: criteria provided, single submitter. Criteria: Genomenon Sequence Variant Interpretation Standards - Updated. Collection method: curation. Allele origin: germline. Affected: yes.
Comment: FGFR3 p.Asp641Asn (c.1921G>A) is a missense variant that changes the amino acid at codon 641 from Aspartic acid to Asparagine. This variant has been observed in the somatic mosaic state in at least one proband with an FGFR3-related disorder (PMID:30580445). At least one functional study has demonstrated a substantial alteration in protein function relative to the wild-type (PMID:34826586). It is absent or not present at a significant frequency in gnomAD. In silico models predict that this variant is possibly or probably damaging. In conclusion, we classify FGFR3 p.Asp641Asn (c.1921G>A) as a likely pathogenic variant.

GeneDx
Classification: Uncertain significance. Last evaluated: 2020-10-15. Review status: criteria provided, single submitter. Criteria: GeneDx Variant Classification Process June 2021. Collection method: clinical testing. Allele origin: germline. Affected: yes.
Comment: Has not been previously published as pathogenic or benign in association with skeletal dysplasia to our knowledge; Not observed in large population cohorts (Lek et al., 2016); In silico analysis supports that this missense variant has a deleterious effect on protein structure/function; This variant is associated with the following publications: (PMID: 19287463)

Literature cited by the submitters: PubMed 34826586 (cited by Genomenon, Inc); PubMed 34272467 (cited by Genomenon, Inc); PubMed 26992226 (cited by Genomenon, Inc); PubMed 30580445 (cited by Genomenon, Inc); PubMed 31601997 (cited by Genomenon, Inc).